The following is an entry in ClinVar:

ClinVar aggregate classification (germline): Uncertain significance (1 of 4 stars; one submission).

Allele frequency attached by ClinVar (database versions not stated): gnomAD exomes below 0.00001 and 0.00001; gnomAD 0.00001; TOPMed 0.00001; ExAC 0.00002.
gnomAD v4.1: 2 of 1,608,460 alleles (0.00012%); highest among the groups gnomAD compares: East Asian, 0.0022%; no homozygotes.

Submission:

Laboratory for Molecular Medicine, Mass General Brigham Personalized Medicine
Classification: Uncertain significance. Last evaluated: 2018-06-04. Review status: criteria provided, single submitter. Criteria: LMM Criteria. Collection method: clinical testing. Allele origin: germline. Observed: 1 variant allele.
Comment: The p.Gly29322Val variant in TTN has not been previously reported in individuals with cardiomyopathy but has been identified in 3/17218 East Asian chromosomes b y the Genome Aggregation Database (gnomAD; dbS NP rs763832653). Computational prediction tools and conservation analysis sugges t that the p.Gly29322Val variant may impact the protein, though this information is not predictive enough to determine pathogenicity. In summary, the clinical s ignificance of the p.Gly29322Val variant is uncertain. ACMG/AMP Criteria applied : PM2_Supporting, PP3.

NM_001267550.2(TTN):c.95669G>T (p.Gly31890Val)

Genes: TTN (titin; minus strand), TTN-AS1 (TTN antisense RNA 1; plus strand). Cytogenetic location: 2q31.2.
Variant type: single nucleotide variant.
Coding change: c.95669G>T on transcript NM_001267550.2 (MANE Select); coding-DNA position 95669, G replaced by T.
Protein change: p.Gly31890Val; replaces glycine 31890 with valine.
Molecular consequence: missense variant.
Genome position (GRCh38, 1-based): chr2:178,545,441, C>A on the plus strand (G>T on the coding strand, the complement: TTN is on the minus strand). VCF-style: chr2-178545441-C-A. GRCh37 (hg19) VCF-style: chr2-179410168-C-A.
Other names: c.90746G>T, p.Gly30249Val (NM_001256850.1); c.68474G>T, p.Gly22825Val (NM_003319.4); c.87965G>T, p.Gly29322Val (NM_133378.4); c.68849G>T, p.Gly22950Val (NM_133432.3); c.69050G>T, p.Gly23017Val (NM_133437.4); short protein forms G29322V, G30249V, G22825V, G22950V, G23017V, G31890V.
Identifiers: ClinVar variation 666942 (VCV000666942.4), dbSNP rs763832653, ClinGen allele CA1986907.